The following is an entry in ClinVar:

NM_000179.3(MSH6):c.618A>G (p.Glu206=)

Gene: MSH6 (mutS homolog 6; plus strand). Cytogenetic location: 2p16.3.
Variant type: single nucleotide variant.
Coding change: c.618A>G on transcript NM_000179.3 (MANE Select); coding-DNA position 618, A replaced by G.
Protein change: p.Glu206=; no amino-acid change (glutamic acid 206 retained).
Molecular consequence: synonymous variant. On other transcripts: 5 prime UTR variant (1), intron variant (2).
Genome position (GRCh38, 1-based): chr2:47,796,054, A>G. VCF-style: chr2-47796054-A-G. GRCh37 (hg19) VCF-style: chr2-48023193-A-G.
Other names: c.-285A>G (NM_001281494.2); c.-279-2557A>G (NM_001281493.2); c.238-2557A>G (NM_001281492.2).
Identifiers: ClinVar variation 479941 (VCV000479941.20), dbSNP rs758635514, ClinGen allele CA073158.
Genomic context (GRCh38, chr2:47,796,054, plus strand): 5'-CAAGATTAAGAGGCTTGAATTGGCAGTTTGTGATGAGCCCTCAGAGCCAGAAGAGGAAGA[A>G]GAGATGGAGGTGGGACACGGCAAGCATTCAGTTGTTATTTATGTTAGGGTGATGGGGGAA-3'
Protein context (NP_000170.1, residues 196-216): CDEPSEPEEE[Glu206=]EMEVGTTYVT

ClinVar aggregate classification (germline): Benign/Likely benign. Review status: criteria provided, multiple submitters, no conflicts (2 of 4 stars). 5 submissions from 5 submitters: Benign (1); Likely benign (4). Last evaluated 2025-09-28.

Conditions:
Hereditary cancer-predisposing syndrome. Also called: Hereditary Cancer Syndrome; Neoplastic Syndromes, Hereditary; Tumor predisposition; Hereditary neoplastic syndrome. Identifiers: Orphanet 140162, MedGen C0027672, MeSH D009386, MONDO:0015356.
Lynch syndrome 5 (LYNCH5). Also called: Colorectal cancer, hereditary nonpolyposis, type 5; Hereditary non-polyposis colorectal cancer, type 5. Identifiers: Orphanet 144, MedGen C1833477, MONDO:0013710, OMIM 614350. Disease mechanism: loss of function.
Hereditary nonpolyposis colorectal neoplasms. Identifiers: MedGen C0009405, MeSH D003123.

Allele frequency attached by ClinVar (database versions not stated): gnomAD exomes below 0.00001 and 0.00001; ExAC 0.00001; TOPMed 0.00001.
gnomAD v4.1: 11 of 1,614,170 alleles (0.00068%); highest among the groups gnomAD compares: South Asian, 0.0011%; no homozygotes.

Submissions (5):

Labcorp Genetics (formerly Invitae), Labcorp
Classification: Likely benign for Hereditary nonpolyposis colorectal neoplasms. Last evaluated: 2025-09-28. Review status: criteria provided, single submitter. Criteria: Invitae Variant Classification Sherloc (09022015). Collection method: clinical testing. Allele origin: germline.

Myriad Genetics, Inc.
Classification: Benign for Lynch syndrome 5. Last evaluated: 2024-12-19. Review status: criteria provided, single submitter. Criteria: Myriad Autosomal Dominant, Autosomal Recessive and X-Linked Classification Criteria (2023). Collection method: clinical testing. Allele origin: unknown.
Comment: This variant is considered benign. This variant is a silent/synonymous amino acid change and it is not expected to impact splicing.

Women's Health and Genetics/Laboratory Corporation of America, LabCorp
Classification: Likely benign. Last evaluated: 2020-01-31. Review status: criteria provided, single submitter. Criteria: LabCorp Variant Classification Summary - May 2015. Collection method: clinical testing. Allele origin: germline.

Color Diagnostics, LLC DBA Color Health
Classification: Likely benign for Hereditary cancer-predisposing syndrome. Last evaluated: 2017-02-10. Review status: criteria provided, single submitter. Criteria: ACMG Guidelines, 2015. Collection method: clinical testing. Allele origin: germline.

Ambry Genetics
Classification: Likely benign for Hereditary cancer-predisposing syndrome. Last evaluated: 2016-11-30. Review status: criteria provided, single submitter. Criteria: Ambry Variant Classification Scheme 2023. Collection method: clinical testing. Allele origin: germline.